The following is an entry in ClinVar:

NM_015346.4(ZFYVE26):c.7195del (p.Gln2399fs)

Gene: ZFYVE26 (zinc finger FYVE-type containing 26; minus strand). Cytogenetic location: 14q24.1.
Variant type: Deletion.
Coding change: c.7195del on transcript NM_015346.4 (MANE Select); coding-DNA position 7195, one base deleted (C; older notation c.7195delC).
Protein change: p.Gln2399fs; shifts the reading frame from glutamine 2399.
Molecular consequence: frameshift variant.
Genome position (GRCh38, 1-based): chr14:67,752,520, G deleted on the plus strand (C on the coding strand, the reverse complement: ZFYVE26 is on the minus strand); the first of 2 consecutive G bases (chr14:67,752,520-67,752,521); deleting either gives the same sequence. VCF-style (leftmost placement, unchanged base first): chr14-67752519-TG-T. GRCh37 (hg19) VCF-style: chr14-68219236-TG-T.
Other names: short protein forms Q2399fs.
Identifiers: ClinVar variation 1076109 (VCV001076109.7), dbSNP rs2140181246, ClinGen allele CA2499222683.

ClinVar aggregate classification (germline): Pathogenic (1 of 4 stars; one submission).

Conditions:
Spastic paraplegia. Identifiers: MedGen C0037772, HP:0001258.

Submission:

Labcorp Genetics (formerly Invitae), Labcorp
Classification: Pathogenic for Spastic paraplegia. Last evaluated: 2021-06-11. Review status: criteria provided, single submitter. Criteria: Invitae Variant Classification Sherloc (09022015). Collection method: clinical testing. Allele origin: germline.
Comment: This sequence change creates a premature translational stop signal (p.Gln2399Serfs*6) in the ZFYVE26 gene. It is expected to result in an absent or disrupted protein product. Loss-of-function variants in ZFYVE26 are known to be pathogenic (PMID: 18394578, 19805727). This variant is not present in population databases (ExAC no frequency). This variant has not been reported in the literature in individuals with ZFYVE26-related conditions. ClinVar contains an entry for this variant (Variation ID: 1076109). For these reasons, this variant has been classified as Pathogenic.

Literature cited by the submitters: PubMed 18394578; PubMed 19805727.